The following is an entry in ClinVar:

NM_001083614.2(EARS2):c.874G>C (p.Val292Leu)

Gene: EARS2 (glutamyl-tRNA synthetase 2, mitochondrial; minus strand). Cytogenetic location: 16p12.2.
Variant type: single nucleotide variant.
Coding change: c.874G>C on transcript NM_001083614.2 (MANE Select); coding-DNA position 874, G replaced by C.
Protein change: p.Val292Leu; replaces valine 292 with leucine.
Molecular consequence: missense variant. On other transcripts: non-coding transcript variant (1).
Genome position (GRCh38, 1-based): chr16:23,534,972, C>G on the plus strand (G>C on the coding strand, the complement: EARS2 is on the minus strand). VCF-style: chr16-23534972-C-G. GRCh37 (hg19) VCF-style: chr16-23546293-C-G.
Other names: c.874G>C, p.Val292Leu (NM_001308211.1); short protein forms V292L.
Identifiers: ClinVar variation 3346063 (VCV003346063.1).

ClinVar aggregate classification (germline): Uncertain significance (0 of 4 stars; one submission).

Conditions:
EARS2-related disorder. Also called: EARS2-related disorders; EARS2-related condition.

Submission:

PreventionGenetics, part of Exact Sciences
Classification: Uncertain significance for EARS2-related condition. Last evaluated: 2024-09-04. Review status: no assertion criteria provided. Collection method: clinical testing. Allele origin: germline.
Comment: The EARS2 c.874G>C variant is predicted to result in the amino acid substitution p.Val292Leu. To our knowledge, this variant has not been reported in the literature or in gnomAD, indicating this variant is rare. At this time, the clinical significance of this variant is uncertain due to the absence of conclusive functional and genetic evidence.